The following is an entry in ClinVar:

NC_000007.13:g.(?_124486986)_(124537227_?)del

Gene: POT1 (protection of telomeres 1; minus strand). Cytogenetic location: 7q31.33.
Variant type: Deletion.
Identifiers: ClinVar variation 1064274 (VCV001064274.6).

ClinVar aggregate classification (germline): Pathogenic (1 of 4 stars; one submission).

Conditions:
Tumor predisposition syndrome 3 (TPDS3). Also called: Melanoma, cutaneous malignant, susceptibility to, 10; Glioma susceptibility 9; LONG TELOMERE SYNDROME, POT1-RELATED; POT1 Tumor Predisposition. Identifiers: Orphanet 618, MedGen C4014476, MONDO:0014368, OMIM 615848.

Submission:

Labcorp Genetics (formerly Invitae), Labcorp
Classification: Pathogenic for Tumor predisposition syndrome 3. Last evaluated: 2023-02-16. Review status: criteria provided, single submitter. Criteria: Invitae Variant Classification Sherloc (09022015). Collection method: clinical testing. Allele origin: germline.
Comment: This variant is a gross deletion of the genomic region encompassing exon(s) 5-12 of the POT1 gene, which includes the initiator codon. This deletion extends beyond the assayed region for this gene and therefore may encompass additional genes. It is expected to result in an absent or disrupted protein product. Loss-of-function variants in POT1 are known to be pathogenic (PMID: 32155570). This variant has not been reported in the literature in individuals affected with POT1-related conditions. For these reasons, this variant has been classified as Pathogenic.

Literature cited by the submitters: PubMed 32155570.